The following is an entry in ClinVar:

ClinVar aggregate classification (germline): Benign (1 of 4 stars; one submission).

Allele frequency attached by ClinVar (database versions not stated): TOPMed 0.70323; gnomAD 0.71262; 1000 Genomes Project 30x 0.65678; 1000 Genomes Project 0.66034.
gnomAD v4.1: 108,345 of 152,016 alleles (71%); highest among the groups gnomAD compares: Non-Finnish European, 79%; 39,194 homozygotes.

Submission:

GeneDx
Classification: Benign. Last evaluated: 2018-06-14. Review status: criteria provided, single submitter. Criteria: GeneDx Variant Classification (06012015). Collection method: clinical testing. Allele origin: germline. Affected: yes.
Comment: This variant is considered likely benign or benign based on one or more of the following criteria: it is a conservative change, it occurs at a poorly conserved position in the protein, it is predicted to be benign by multiple in silico algorithms, and/or has population frequency not consistent with disease.

NM_024678.6(NARS2):c.141+297A>C

Gene: NARS2 (asparaginyl-tRNA synthetase 2, mitochondrial; minus strand). Cytogenetic location: 11q14.1.
Variant type: single nucleotide variant.
Coding change: c.141+297A>C on transcript NM_024678.6 (MANE Select); 297 bases into the intron after coding-DNA position 141, A replaced by C.
Molecular consequence: intron variant.
Genome position (GRCh38, 1-based): chr11:78,574,051, T>G on the plus strand (A>C on the coding strand, the complement: NARS2 is on the minus strand). VCF-style: chr11-78574051-T-G. GRCh37 (hg19) VCF-style: chr11-78285096-T-G.
Other names: c.-541+778A>C (NM_001243251.2).
Identifiers: ClinVar variation 682656 (VCV000682656.1), dbSNP rs4277140, ClinGen allele CA15680582.